The following is an entry in ClinVar:

NM_001250.6(CD40):c.170C>T (p.Thr57Met)

Gene: CD40 (CD40 molecule; plus strand). Cytogenetic location: 20q13.12.
Variant type: single nucleotide variant.
Coding change: c.170C>T on transcript NM_001250.6 (MANE Select); coding-DNA position 170, C replaced by T.
Protein change: p.Thr57Met; replaces threonine 57 with methionine.
Molecular consequence: missense variant. On other transcripts: non-coding transcript variant (2).
Genome position (GRCh38, 1-based): chr20:46,122,272, C>T. VCF-style: chr20-46122272-C-T. GRCh37 (hg19) VCF-style: chr20-44750911-C-T.
Other names: c.170C>T, p.Thr57Met (NM_001302753.2, NM_001322421.2, NM_001322422.2 and 2 more transcripts); short protein forms T57M.
Identifiers: ClinVar variation 2138350 (VCV002138350.2), dbSNP rs2515708347, ClinGen allele CA409203536.

ClinVar aggregate classification (germline): Conflicting classifications of pathogenicity. Review status: criteria provided, conflicting classifications (1 of 4 stars). 2 submissions from 2 submitters: Pathogenic (1); Uncertain significance (1). Last evaluated 2024-08-14.

Conditions:
Hyper-IgM syndrome type 3. Also called: Hyper-IgM Immunodeficiency Syndrome, Type 3. Identifiers: Orphanet 101090, MedGen C1720957, MONDO:0011735, OMIM 606843.

gnomAD v4.1: 1 of 1,614,124 alleles (0.000062%); highest among the groups gnomAD compares: Non-Finnish European, 0.000085%; no homozygotes.

Submissions (2):

Women's Health and Genetics/Laboratory Corporation of America, LabCorp
Classification: Pathogenic for Hyper-IgM syndrome type 3. Last evaluated: 2024-08-14. Review status: criteria provided, single submitter. Criteria: LabCorp Variant Classification Summary - May 2015. Collection method: clinical testing. Allele origin: germline.
Comment: Variant summary: CD40 c.170C>T (p.Thr57Met) results in a non-conservative amino acid change located in the TNFR/NGFR cysteine-rich region (IPR001368) of the encoded protein sequence. Four of five in-silico tools predict a damaging effect of the variant on protein function. The variant was absent in 251476 control chromosomes (gnomAD). c.170C>T has been reported in the literature in multiple individuals affected with Hyper IgM Syndrome Type 3 (e.g. Al-Dhekri_2012, Al-Saud_2013, Akarsu_2022). These data indicate that the variant is very likely to be associated with disease. The following publications have been ascertained in the context of this evaluation (PMID: 22342113, 24122029, 36808635). ClinVar contains an entry for this variant (Variation ID: 2138350). Based on the evidence outlined above, the variant was classified as pathogenic.

Labcorp Genetics (formerly Invitae), Labcorp
Classification: Uncertain significance. Last evaluated: 2022-06-08. Review status: criteria provided, single submitter. Criteria: Invitae Variant Classification Sherloc (09022015). Collection method: clinical testing. Allele origin: germline.
Comment: This sequence change replaces threonine, which is neutral and polar, with methionine, which is neutral and non-polar, at codon 57 of the CD40 protein (p.Thr57Met). This variant is not present in population databases (gnomAD no frequency). This missense change has been observed in individual(s) with hyper-IgM syndrome due to CD40 deficiency (PMID: 24122029). Algorithms developed to predict the effect of missense changes on protein structure and function are either unavailable or do not agree on the potential impact of this missense change (SIFT: "Deleterious"; PolyPhen-2: "Probably Damaging"; Align-GVGD: "Class C0"). In summary, the available evidence is currently insufficient to determine the role of this variant in disease. Therefore, it has been classified as a Variant of Uncertain Significance.

Literature cited by the submitters: PubMed 36808635 (cited by Women's Health and Genetics/Laboratory Corporation of America, LabCorp); PubMed 22342113 (cited by Women's Health and Genetics/Laboratory Corporation of America, LabCorp); PubMed 24122029 (cited by Women's Health and Genetics/Laboratory Corporation of America, LabCorp and Labcorp Genetics (formerly Invitae), Labcorp).